The following is an entry in ClinVar:

NM_006059.4(LAMC3):c.4255C>T (p.Arg1419Trp)

Gene: LAMC3 (laminin subunit gamma 3; plus strand). Cytogenetic location: 9q34.12.
Variant type: single nucleotide variant.
Coding change: c.4255C>T on transcript NM_006059.4 (MANE Select); coding-DNA position 4255, C replaced by T.
Protein change: p.Arg1419Trp; replaces arginine 1419 with tryptophan.
Molecular consequence: missense variant.
Genome position (GRCh38, 1-based): chr9:131,087,500, C>T. VCF-style: chr9-131087500-C-T. GRCh37 (hg19) VCF-style: chr9-133962887-C-T.
Other names: c.4255C>T (NM_006059.3); short protein forms R1419W.
Identifiers: ClinVar variation 1484025 (VCV001484025.7), dbSNP rs147688904, ClinGen allele CA5288106.

ClinVar aggregate classification (germline): Uncertain significance. Review status: criteria provided, multiple submitters, no conflicts (2 of 4 stars). 2 submissions from 2 submitters: Uncertain significance (2). Last evaluated 2023-11-12.

Conditions:
Inborn genetic diseases. Identifiers: MedGen C0950123, MeSH D030342.

Allele frequency attached by ClinVar (database versions not stated): gnomAD 0.00001; ExAC 0.00002; gnomAD exomes 0.00002; TOPMed 0.00002; ESP Exome Variant Server 0.00008.
gnomAD v4.1: 14 of 1,613,690 alleles (0.00087%); highest among the groups gnomAD compares: African/African-American, 0.0027%; no homozygotes.

Submissions (2):

Labcorp Genetics (formerly Invitae), Labcorp
Classification: Uncertain significance. Last evaluated: 2023-11-12. Review status: criteria provided, single submitter. Criteria: Invitae Variant Classification Sherloc (09022015). Collection method: clinical testing. Allele origin: germline.
Comment: This sequence change replaces arginine, which is basic and polar, with tryptophan, which is neutral and slightly polar, at codon 1419 of the LAMC3 protein (p.Arg1419Trp). This variant is present in population databases (rs147688904, gnomAD 0.007%). This variant has not been reported in the literature in individuals affected with LAMC3-related conditions. ClinVar contains an entry for this variant (Variation ID: 1484025). An algorithm developed to predict the effect of missense changes on protein structure and function (PolyPhen-2) suggests that this variant is likely to be tolerated. In summary, the available evidence is currently insufficient to determine the role of this variant in disease. Therefore, it has been classified as a Variant of Uncertain Significance.

Ambry Genetics
Classification: Uncertain significance for Inborn genetic diseases. Last evaluated: 2023-09-26. Review status: criteria provided, single submitter. Criteria: Ambry Variant Classification Scheme 2023. Collection method: clinical testing. Allele origin: germline.